The following is an entry in ClinVar:

NM_001378454.1(ALMS1):c.361del (p.Val121fs)

Gene: ALMS1 (ALMS1 centrosome and basal body associated protein; plus strand). Cytogenetic location: 2p13.1.
Variant type: Deletion.
Coding change: c.361del on transcript NM_001378454.1 (MANE Select); coding-DNA position 361, one base deleted (G; older notation c.361delG).
Protein change: p.Val121fs; shifts the reading frame from valine 121.
Molecular consequence: frameshift variant.
Genome position (GRCh38, 1-based): chr2:73,408,658, G deleted. VCF-style (leftmost placement, unchanged base first): chr2-73408657-AG-A. GRCh37 (hg19) VCF-style: chr2-73635785-AG-A.
Other names: c.364del, p.Val122fs (NM_015120.4); short protein forms V121fs, V122fs.
Identifiers: ClinVar variation 4057953 (VCV004057953.2).
Genomic context (GRCh38, chr2:73,408,657, plus strand): 5'-ATTTAAGCCTGCTTTTGATTTTCAGATTGTTCCATTGACCTGTCATGTATGGCAACAGAT[AG>A]TATATCAAGGCAATAGTAGAACACAAATTTCTGATACTAATGTGGTCTGTTTGGAAACAA-3'

ClinVar aggregate classification (germline): Likely pathogenic (1 of 4 stars; one submission).

Conditions:
Alstrom syndrome (ALMS). Identifiers: Orphanet 64, MedGen C0268425, MONDO:0008763, OMIM 203800.

Submission:

Natera, Inc.
Classification: Likely pathogenic for Alstrom syndrome. Last evaluated: 2025-05-05. Review status: criteria provided, single submitter. Criteria: Natera Variant Classification Schema (03/2026). Collection method: clinical testing. Allele origin: germline.
Comment: The c.364del variant in ALMS1 is a frameshift variant predicted to shift the reading frame beginning at codon 122 and leads to a stop codon 57 codons downstream. This variant is expected to result in nonsense mediated decay, truncation, or a dysfunctional protein product. This variant is rare in the general population with a frequency below the threshold expected for the associated phenotype(s). Given the available evidence, this variant is classified as Likely Pathogenic.